The following is an entry in ClinVar:

ClinVar aggregate classification (germline): Likely benign (1 of 4 stars; one submission).

Conditions:
EPS8L2-related disorder. Also called: EPS8L2-related condition.

gnomAD v4.1: 50 of 1,613,594 alleles (0.0031%); highest among the groups gnomAD compares: African/African-American, 0.048%; no homozygotes.

Submission:

PreventionGenetics, part of Exact Sciences
Classification: Likely benign for EPS8L2-related condition. Last evaluated: 2026-06-28. Review status: criteria provided, single submitter. Criteria: ACMG Guidelines, 2015. Collection method: clinical testing. Allele origin: germline.
Comment: This variant is classified as likely benign based on ACMG/AMP sequence variant interpretation guidelines (Richards et al. 2015 PMID: 25741868, with internal and published modifications).

NM_022772.4(EPS8L2):c.1488C>T (p.Tyr496=)

Gene: EPS8L2 (EPS8 signaling adaptor L2; plus strand). Cytogenetic location: 11p15.5.
Variant type: single nucleotide variant.
Coding change: c.1488C>T on transcript NM_022772.4 (MANE Select); coding-DNA position 1488, C replaced by T.
Protein change: p.Tyr496=; no amino-acid change (tyrosine 496 retained).
Molecular consequence: synonymous variant.
Genome position (GRCh38, 1-based): chr11:724,757, C>T. VCF-style: chr11-724757-C-T. GRCh37 (hg19) VCF-style: chr11-724757-C-T.
Other names: c.1488C>T, p.Tyr496= (NM_001441192.1, NM_001441193.1); c.951C>T, p.Tyr317= (NM_001441194.1).
Identifiers: ClinVar variation 4981624 (VCV004981624.1).